The following is an entry in ClinVar:

ClinVar aggregate classification (germline): Uncertain significance (1 of 4 stars; one submission).

Submission:

Labcorp Genetics (formerly Invitae), Labcorp
Classification: Uncertain significance. Last evaluated: 2021-03-10. Review status: criteria provided, single submitter. Criteria: Invitae Variant Classification Sherloc (09022015). Collection method: clinical testing. Allele origin: germline.
Comment: In summary, the available evidence is currently insufficient to determine the role of this variant in disease. Therefore, it has been classified as a Variant of Uncertain Significance. This sequence change replaces serine with threonine at codon 188 of the TNFRSF6B protein (p.Ser188Thr). The serine residue is weakly conserved and there is a small physicochemical difference between serine and threonine. This variant is not present in population databases (ExAC no frequency). This variant has not been reported in the literature in individuals with TNFRSF6B-related conditions. Algorithms developed to predict the effect of missense changes on protein structure and function (SIFT, PolyPhen-2, Align-GVGD) all suggest that this variant is likely to be tolerated, but these predictions have not been confirmed by published functional studies and their clinical significance is uncertain.

NM_003823.4(TNFRSF6B):c.562T>A (p.Ser188Thr)

Genes: RTEL1-TNFRSF6B (RTEL1-TNFRSF6B readthrough (NMD candidate); plus strand), TNFRSF6B (TNF receptor superfamily member 6b; plus strand). Cytogenetic location: 20q13.33.
Variant type: single nucleotide variant.
Coding change: c.562T>A on transcript NM_003823.4 (MANE Select); coding-DNA position 562, T replaced by A.
Protein change: p.Ser188Thr; replaces serine 188 with threonine.
Molecular consequence: missense variant. On other transcripts: non-coding transcript variant (1).
Genome position (GRCh38, 1-based): chr20:63,697,465, T>A. VCF-style: chr20-63697465-T-A. GRCh37 (hg19) VCF-style: chr20-62328818-T-A.
Other names: short protein forms S188T.
Identifiers: ClinVar variation 1413645 (VCV001413645.8), dbSNP rs2145489306, ClinGen allele CA409711706.
Genomic context (GRCh38, chr20:63,697,465, plus strand): 5'-TGCCAGCCCCACCGCAACTGCACGGCCCTGGGCCTGGCCCTCAATGTGCCAGGCTCTTCC[T>A]CCCATGACACCCTGTGCACCAGCTGCACTGGCTTCCCCCTCAGCACCAGGGTACCAGGTG-3'
Protein context (NP_003814.1, residues 178-198): GLALNVPGSS[Ser188Thr]HDTLCTSCTG